The following is an entry in ClinVar:

NM_000057.4(BLM):c.3166A>G (p.Lys1056Glu)

Gene: BLM (BLM RecQ like helicase; plus strand). Cytogenetic location: 15q26.1.
Variant type: single nucleotide variant.
Coding change: c.3166A>G on transcript NM_000057.4 (MANE Select); coding-DNA position 3166, A replaced by G.
Protein change: p.Lys1056Glu; replaces lysine 1056 with glutamic acid.
Molecular consequence: missense variant.
Genome position (GRCh38, 1-based): chr15:90,794,313, A>G. VCF-style: chr15-90794313-A-G. GRCh37 (hg19) VCF-style: chr15-91337543-A-G.
Other names: c.3166A>G, p.Lys1056Glu (NM_001287246.2, NM_001287247.2); c.2041A>G, p.Lys681Glu (NM_001287248.2); short protein forms K681E, K1056E.
Identifiers: ClinVar variation 1728369 (VCV001728369.3), dbSNP rs2505525561, ClinGen allele CA393846982.

ClinVar aggregate classification (germline): Uncertain significance (1 of 4 stars; one submission).

Conditions:
Hereditary cancer-predisposing syndrome. Also called: Tumor predisposition; Neoplastic Syndromes, Hereditary; Hereditary Cancer Syndrome; Hereditary neoplastic syndrome. Identifiers: Orphanet 140162, MedGen C0027672, MeSH D009386, MONDO:0015356.

Allele frequency attached by ClinVar (database versions not stated): gnomAD exomes below 0.00001.
gnomAD v4.1: 1 of 1,606,100 alleles (0.000062%); highest among the groups gnomAD compares: Non-Finnish European, 0.000085%; no homozygotes.

Submission:

Ambry Genetics
Classification: Uncertain significance for Hereditary cancer-predisposing syndrome. Last evaluated: 2025-10-16. Review status: criteria provided, single submitter. Criteria: Ambry Variant Classification Scheme 2023. Collection method: clinical testing. Allele origin: germline.
Comment: The p.K1056E variant (also known as c.3166A>G), located in coding exon 15 of the BLM gene, results from an A to G substitution at nucleotide position 3166. The lysine at codon 1056 is replaced by glutamic acid, an amino acid with similar properties. This amino acid position is well conserved in available vertebrate species. In addition, the in silico prediction for this alteration is inconclusive. Since supporting evidence is limited at this time, the clinical significance of this alteration remains unclear.